The following is an entry in ClinVar:

ClinVar aggregate classification (germline): Uncertain significance (1 of 4 stars; one submission).

Conditions:
Intellectual developmental disorder, autosomal dominant 1. Also called: Intellectual disability, autosomal dominant 1; MBD5 Haploinsufficiency. Identifiers: Orphanet 228402, MedGen C1969562, MONDO:0007974, OMIM 156200.

gnomAD v4.1: 3 of 1,614,004 alleles (0.00019%); highest among the groups gnomAD compares: Non-Finnish European, 0.00025%; no homozygotes.

Submission:

Labcorp Genetics (formerly Invitae), Labcorp
Classification: Uncertain significance for Intellectual developmental disorder, autosomal dominant 1. Last evaluated: 2019-07-20. Review status: criteria provided, single submitter. Criteria: Invitae Variant Classification Sherloc (09022015). Collection method: clinical testing. Allele origin: germline.
Comment: In summary, the available evidence is currently insufficient to determine the role of this variant in disease. Therefore, it has been classified as a Variant of Uncertain Significance. Algorithms developed to predict the effect of missense changes on protein structure and function are either unavailable or do not agree on the potential impact of this missense change (SIFT: "Deleterious"; PolyPhen-2: "Benign"; Align-GVGD: "Class C0"). This variant has not been reported in the literature in individuals with MBD5-related conditions. This variant is not present in population databases (ExAC no frequency). This sequence change replaces serine with glycine at codon 380 of the MBD5 protein (p.Ser380Gly). The serine residue is highly conserved and there is a small physicochemical difference between serine and glycine.

NM_001378120.1(MBD5):c.1138A>G (p.Ser380Gly)

Gene: MBD5 (methyl-CpG binding domain protein 5; plus strand). Cytogenetic location: 2q23.1.
Variant type: single nucleotide variant.
Coding change: c.1138A>G on transcript NM_001378120.1 (MANE Select); coding-DNA position 1138, A replaced by G.
Protein change: p.Ser380Gly; replaces serine 380 with glycine.
Molecular consequence: missense variant.
Genome position (GRCh38, 1-based): chr2:148,469,081, A>G. VCF-style: chr2-148469081-A-G. GRCh37 (hg19) VCF-style: chr2-149226650-A-G.
Other names: c.1138A>G, p.Ser380Gly (NM_018328.5); short protein forms S380G.
Identifiers: ClinVar variation 960493 (VCV000960493.10), dbSNP rs1680696075, ClinGen allele CA348718456.
Genomic context (GRCh38, chr2:148,469,081, plus strand): 5'-ATTCTTGACCCTATTCCTAGTAAACCAGTGAATCAGAACCCTGTTATCATTAATCCAACC[A>G]GTTTCCATTCAAATGTCCACTCTCAGGTACCTATGATGAATGTAAGCATGCCTCCTGCTG-3'
Protein context (NP_001365049.1, residues 370-390): NQNPVIINPT[Ser380Gly]FHSNVHSQVP